The following is an entry in ClinVar:

ClinVar aggregate classification (germline): Uncertain significance (1 of 4 stars; one submission).

Conditions:
Congenital myasthenic syndrome 2A. Also called: Myasthenic syndrome, congenital, 2a, slow-channel. Identifiers: Orphanet 590, MedGen C4225374, MONDO:0014581, OMIM 616313.

Allele frequency attached by ClinVar (database versions not stated): gnomAD exomes 0.00002; ExAC 0.00003; gnomAD 0.00004; TOPMed 0.00006.

Submission:

Labcorp Genetics (formerly Invitae), Labcorp
Classification: Uncertain significance for Congenital myasthenic syndrome 2A. Last evaluated: 2025-10-27. Review status: criteria provided, single submitter. Criteria: Invitae Variant Classification Sherloc (09022015). Collection method: clinical testing. Allele origin: germline.
Comment: This sequence change replaces aspartic acid, which is acidic and polar, with tyrosine, which is neutral and polar, at codon 96 of the CHRNB1 protein (p.Asp96Tyr). This variant is present in population databases (rs778968747, gnomAD 0.03%). This variant has not been reported in the literature in individuals affected with CHRNB1-related conditions. ClinVar contains an entry for this variant (Variation ID: 1011016). Invitae Evidence Modeling of protein sequence and biophysical properties (such as structural, functional, and spatial information, amino acid conservation, physicochemical variation, residue mobility, and thermodynamic stability) indicates that this missense variant is not expected to disrupt CHRNB1 protein function with a negative predictive value of 80%. In summary, the available evidence is currently insufficient to determine the role of this variant in disease. Therefore, it has been classified as a Variant of Uncertain Significance.

NM_000747.3(CHRNB1):c.286G>T (p.Asp96Tyr)

Gene: CHRNB1 (cholinergic receptor nicotinic beta 1 subunit; plus strand). Cytogenetic location: 17p13.1.
Variant type: single nucleotide variant.
Coding change: c.286G>T on transcript NM_000747.3 (MANE Select); coding-DNA position 286, G replaced by T.
Protein change: p.Asp96Tyr; replaces aspartic acid 96 with tyrosine.
Molecular consequence: missense variant.
Genome position (GRCh38, 1-based): chr17:7,446,875, G>T. VCF-style: chr17-7446875-G-T. GRCh37 (hg19) VCF-style: chr17-7350194-G-T.
Other names: short protein forms D96Y.
Identifiers: ClinVar variation 1011016 (VCV001011016.8), dbSNP rs778968747, ClinGen allele CA8347707.